The following is an entry in ClinVar:

NM_024675.4(PALB2):c.2671T>C (p.Cys891Arg)

Gene: PALB2 (partner and localizer of BRCA2; minus strand). Cytogenetic location: 16p12.2.
Variant type: single nucleotide variant.
Coding change: c.2671T>C on transcript NM_024675.4 (MANE Select); coding-DNA position 2671, T replaced by C.
Protein change: p.Cys891Arg; replaces cysteine 891 with arginine.
Molecular consequence: missense variant.
Genome position (GRCh38, 1-based): chr16:23,626,313, A>G on the plus strand (T>C on the coding strand, the complement: PALB2 is on the minus strand). VCF-style: chr16-23626313-A-G. GRCh37 (hg19) VCF-style: chr16-23637634-A-G.
Other names: c.2611T>C, p.Cys871Arg (NM_001407296.1); c.2599T>C, p.Cys867Arg (NM_001407297.1); c.2671T>C, p.Cys891Arg (NM_001407299.1, NM_001407300.1, NM_001407301.1); c.1786T>C, p.Cys596Arg (NM_001407304.1, NM_001407305.1, NM_001407306.1 and 4 more transcripts); c.883T>C, p.Cys295Arg (NM_001407312.1, NM_001407313.1); c.205T>C, p.Cys69Arg (NM_001407314.1); short protein forms C69R, C871R, C891R, C867R, C295R, C596R.
Identifiers: ClinVar variation 2054257 (VCV002054257.4), dbSNP rs786204208, ClinGen allele CA395122050.

ClinVar aggregate classification (germline): Uncertain significance (1 of 4 stars; one submission).

Conditions:
Familial cancer of breast. Also called: hereditary breast carcinoma; BREAST CANCER, FAMILIAL; Hereditary breast cancer. Identifiers: Orphanet 227535, MedGen C0346153, MONDO:0016419, OMIM 114480. Disease mechanism: loss of function.

Submission:

Labcorp Genetics (formerly Invitae), Labcorp
Classification: Uncertain significance for Familial cancer of breast. Last evaluated: 2021-12-23. Review status: criteria provided, single submitter. Criteria: Invitae Variant Classification Sherloc (09022015). Collection method: clinical testing. Allele origin: germline.
Comment: This sequence change replaces cysteine, which is neutral and slightly polar, with arginine, which is basic and polar, at codon 891 of the PALB2 protein (p.Cys891Arg). This variant is not present in population databases (gnomAD no frequency). This variant has not been reported in the literature in individuals affected with PALB2-related conditions. Algorithms developed to predict the effect of missense changes on protein structure and function are either unavailable or do not agree on the potential impact of this missense change (SIFT: "Tolerated"; PolyPhen-2: "Probably Damaging"; Align-GVGD: "Class C0"). In summary, the available evidence is currently insufficient to determine the role of this variant in disease. Therefore, it has been classified as a Variant of Uncertain Significance.